The following is an entry in ClinVar:

ClinVar aggregate classification (germline): Benign. Review status: criteria provided, single submitter (1 of 4 stars). 2 submissions from 2 submitters: Benign (1). 1 of the submissions does not count toward it. Last evaluated 2025-10-24.

Conditions:
AXL-related disorder. Also called: AXL-related condition.

Allele frequency attached by ClinVar (database versions not stated): gnomAD exomes 0.00032; ExAC 0.00039; gnomAD 0.00085 and 0.00090; TOPMed 0.00113; ESP Exome Variant Server 0.00115; 1000 Genomes Project 30x 0.00156; 1000 Genomes Project 0.00180.
gnomAD v4.1: 276 of 1,613,916 alleles (0.017%); highest among the groups gnomAD compares: African/African-American, 0.28%; 1 homozygote.

Submissions (2):

Labcorp Genetics (formerly Invitae), Labcorp
Classification: Benign. Last evaluated: 2025-10-24. Review status: criteria provided, single submitter. Criteria: Invitae Variant Classification Sherloc (09022015). Collection method: clinical testing. Allele origin: germline.

PreventionGenetics, part of Exact Sciences
Classification: Likely benign for AXL-related condition. Last evaluated: 2019-07-16. Review status: no assertion criteria provided. Collection method: clinical testing. Allele origin: germline. Not counted in ClinVar's aggregate classification.
Comment: This variant is classified as likely benign based on ACMG/AMP sequence variant interpretation guidelines (Richards et al. 2015 PMID: 25741868, with internal and published modifications).

NM_021913.5(AXL):c.864C>T (p.Ser288=)

Gene: AXL (AXL receptor tyrosine kinase; plus strand). Cytogenetic location: 19q13.2.
Variant type: single nucleotide variant.
Coding change: c.864C>T on transcript NM_021913.5 (MANE Select); coding-DNA position 864, C replaced by T.
Protein change: p.Ser288=; no amino-acid change (serine 288 retained).
Molecular consequence: synonymous variant.
Genome position (GRCh38, 1-based): chr19:41,238,024, C>T. VCF-style: chr19-41238024-C-T. GRCh37 (hg19) VCF-style: chr19-41743929-C-T.
Other names: c.60C>T, p.Ser20= (NM_001278599.2); c.864C>T, p.Ser288= (NM_001699.6).
Identifiers: ClinVar variation 782647 (VCV000782647.7), dbSNP rs113249799, ClinGen allele CA9458102.